The following is an entry in ClinVar:

ClinVar aggregate classification (germline): Uncertain significance (1 of 4 stars; one submission).

Conditions:
Lymphatic malformation 10. Identifiers: MedGen C5543531, MONDO:0023662, OMIM 619369.

gnomAD v4.1: 1 of 1,613,836 alleles (0.000062%); highest among the groups gnomAD compares: Non-Finnish European, 0.000085%; no homozygotes.

Submission:

Juno Genomics, Hangzhou Juno Genomics, Inc
Classification: Uncertain significance for Lymphatic malformation 10. Review status: criteria provided, single submitter. Criteria: ACMG Guidelines, 2015. Collection method: clinical testing. Allele origin: germline.
Comment: Absent from controls (or at extremely low frequency if recessive) in Genome Aggregation Database.;Multiple lines of computational evidence support a deleterious effect on the gene or gene product.

NM_001118887.2(ANGPT2):c.979C>T (p.Arg327Cys)

Genes: ANGPT2 (angiopoietin 2; minus strand), MCPH1 (microcephalin 1; plus strand). Cytogenetic location: 8p23.1.
Variant type: single nucleotide variant.
Coding change: c.979C>T on transcript NM_001118887.2 (MANE Select); coding-DNA position 979, C replaced by T.
Protein change: p.Arg327Cys; replaces arginine 327 with cysteine.
Molecular consequence: missense variant. On other transcripts: intron variant (6).
Genome position (GRCh38, 1-based): chr8:6,514,727, G>A on the plus strand (C>T on the coding strand, the complement: ANGPT2 is on the minus strand). VCF-style: chr8-6514727-G-A. GRCh37 (hg19) VCF-style: chr8-6372248-G-A.
Other names: c.1935+59475G>A (NM_001363980.2); c.2214+14798G>A (NM_001363979.1, NM_001410917.1, NM_001410916.1 and 2 more transcripts); c.826C>T, p.Arg276Cys (NM_001118888.2); c.982C>T, p.Arg328Cys (NM_001147.3, NM_001386336.1); c.823C>T, p.Arg275Cys (NM_001386335.1); c.979C>T, p.Arg327Cys (NM_001386337.1); short protein forms R328C, R275C, R276C, R327C.
Identifiers: ClinVar variation 5007329 (VCV005007329.2).